The following is an entry in ClinVar:

NM_001352514.2(HLCS):c.2451-19C>T

Gene: HLCS (holocarboxylase synthetase; minus strand). Cytogenetic location: 21q22.13.
Variant type: single nucleotide variant.
Coding change: c.2451-19C>T on transcript NM_001352514.2 (MANE Select); 19 bases into the intron before coding-DNA position 2451, C replaced by T.
Molecular consequence: intron variant.
Genome position (GRCh38, 1-based): chr21:36,754,436, G>A on the plus strand (C>T on the coding strand, the complement: HLCS is on the minus strand). VCF-style: chr21-36754436-G-A. GRCh37 (hg19) VCF-style: chr21-38126737-G-A.
Other names: c.2010-19C>T (NM_001352517.1, NM_001242785.2, NM_001352515.2 and 4 more transcripts).
Identifiers: ClinVar variation 377963 (VCV000377963.11), dbSNP rs78671947, ClinGen allele CA10020248.
Genomic context (GRCh38, chr21:36,754,436, plus strand): 5'-ACCTTTGGTCCCTCTGCGCTGCCCAGATGGACTTGCTGACCACTGAAAAGGAAGAACAGC[G>A]TGCGGTCACTGGGAGGTGTCACAGGACGACTTAAGACAATGAGCTGAAGAATAATCCATG-3'

ClinVar aggregate classification (germline): Benign/Likely benign. Review status: criteria provided, multiple submitters, no conflicts (2 of 4 stars). 3 submissions from 3 submitters: Benign (2); Likely benign (1). Last evaluated 2026-01-31.

Conditions:
Holocarboxylase synthetase deficiency. Also called: MULTIPLE CARBOXYLASE DEFICIENCY, EARLY ONSET. Identifiers: Orphanet 79242, MedGen C0268581, MONDO:0009666, OMIM 253270.

Allele frequency attached by ClinVar (database versions not stated): gnomAD 0.00269 and 0.00290; ExAC 0.00097; 1000 Genomes Project 30x 0.00219; TOPMed 0.00308; 1000 Genomes Project 0.00240; ESP Exome Variant Server 0.00246.
gnomAD v4.1: 805 of 1,607,712 alleles (0.05%); highest among the groups gnomAD compares: African/African-American, 0.92%; 8 homozygotes.

Submissions (3):

Labcorp Genetics (formerly Invitae), Labcorp
Classification: Benign for Holocarboxylase synthetase deficiency. Last evaluated: 2026-01-31. Review status: criteria provided, single submitter. Criteria: Invitae Variant Classification Sherloc (09022015). Collection method: clinical testing. Allele origin: germline.

Blueprint Genetics
Classification: Likely benign. Last evaluated: 2024-11-08. Review status: criteria provided, single submitter. Criteria: ACMG Guidelines, 2015. Collection method: clinical testing. Allele origin: germline.

GeneDx
Classification: Benign. Last evaluated: 2015-06-04. Review status: criteria provided, single submitter. Criteria: GeneDx Variant Classification (06012015). Collection method: clinical testing. Allele origin: germline. Affected: yes.
Comment: This variant is considered likely benign or benign based on one or more of the following criteria: it is a conservative change, it occurs at a poorly conserved position in the protein, it is predicted to be benign by multiple in silico algorithms, and/or has population frequency not consistent with disease.